The following is an entry in ClinVar:

ClinVar aggregate classification (germline): Uncertain significance (1 of 4 stars; one submission).

Conditions:
Early-infantile DEE. Also called: Ohtahara syndrome; Early infantile epileptic encephalopathy with suppression bursts; Early infantile epileptic encephalopathy. Identifiers: Orphanet 1934, MedGen C0393706, MONDO:0800491.

Allele frequency attached by ClinVar (database versions not stated): TOPMed below 0.00001; ExAC 0.00001; gnomAD 0.00001; gnomAD exomes 0.00001; ESP Exome Variant Server 0.00008.
gnomAD v4.1: 3 of 1,614,048 alleles (0.00019%); highest among the groups gnomAD compares: Non-Finnish European, 0.00025%; no homozygotes.

Submission:

Labcorp Genetics (formerly Invitae), Labcorp
Classification: Uncertain significance for Early-infantile DEE. Last evaluated: 2023-12-11. Review status: criteria provided, single submitter. Criteria: Invitae Variant Classification Sherloc (09022015). Collection method: clinical testing. Allele origin: germline.
Comment: This sequence change replaces arginine, which is basic and polar, with cysteine, which is neutral and slightly polar, at codon 882 of the SPTAN1 protein (p.Arg882Cys). This variant is present in population databases (rs149528201, gnomAD 0.0009%). This variant has not been reported in the literature in individuals affected with SPTAN1-related conditions. ClinVar contains an entry for this variant (Variation ID: 1013825). Advanced modeling of protein sequence and biophysical properties (such as structural, functional, and spatial information, amino acid conservation, physicochemical variation, residue mobility, and thermodynamic stability) has been performed at Invitae for this missense variant, however the output from this modeling did not meet the statistical confidence thresholds required to predict the impact of this variant on SPTAN1 protein function. In summary, the available evidence is currently insufficient to determine the role of this variant in disease. Therefore, it has been classified as a Variant of Uncertain Significance.

NM_001130438.3(SPTAN1):c.2644C>T (p.Arg882Cys)

Gene: SPTAN1 (spectrin alpha, non-erythrocytic 1; plus strand). Cytogenetic location: 9q34.11.
Variant type: single nucleotide variant.
Coding change: c.2644C>T on transcript NM_001130438.3 (MANE Select); coding-DNA position 2644, C replaced by T.
Protein change: p.Arg882Cys; replaces arginine 882 with cysteine.
Molecular consequence: missense variant.
Genome position (GRCh38, 1-based): chr9:128,585,831, C>T. VCF-style: chr9-128585831-C-T. GRCh37 (hg19) VCF-style: chr9-131348110-C-T.
Other names: c.2644C>T, p.Arg882Cys (NM_001195532.2, NM_001363759.2, NM_001363765.2 and 5 more transcripts); c.2680C>T, p.Arg894Cys (NM_001375312.2, NM_001375318.1); short protein forms R882C, R894C.
Identifiers: ClinVar variation 1013825 (VCV001013825.9), dbSNP rs149528201, ClinGen allele CA5264693.
Genomic context (GRCh38, chr9:128,585,831, plus strand): 5'-AAGGCCAAGCTTCACGAGCTGAACCAAAAGTGGGAGGCACTGAAAGCCAAAGCTTCCCAG[C>T]GTCGGCAGGACCTGGAGGACTCTCTGCAGGCCCAGCAGTACTTTGCTGATGCTAACGAGG-3'
Protein context (NP_001123910.1, residues 872-892): WEALKAKASQ[Arg882Cys]RQDLEDSLQA